The following is an entry in ClinVar:

ClinVar aggregate classification (germline): Uncertain significance (1 of 4 stars; one submission).

Conditions:
Megalencephaly-polymicrogyria-polydactyly-hydrocephalus syndrome 2 (MPPH2). Also called: MEGALENCEPHALY-POLYMICROGYRIA-POLYDACTYLY-HYDROCEPHALUS SYNDROME 2, SOMATIC. Identifiers: Orphanet 83473, MedGen C4014738, MONDO:0014407, OMIM 615937.

Submission:

MVZ Medizinische Genetik Mainz
Classification: Uncertain significance for Megalencephaly-polymicrogyria-polydactyly-hydrocephalus syndrome 2. Last evaluated: 2023-10-12. Review status: criteria provided, single submitter. Criteria: UK Practice Guidelines For Variant Classification V4 01 2020. Collection method: clinical testing. Allele origin: germline. Inheritance: Autosomal dominant inheritance. Affected: yes. Observed: 1 variant allele.
Comment: ACMG Criteria: PM2_SUP,PP2

NM_005465.7(AKT3):c.998G>A (p.Gly333Glu)

Gene: AKT3 (AKT serine/threonine kinase 3; minus strand). Cytogenetic location: 1q44.
Variant type: single nucleotide variant.
Coding change: c.998G>A on transcript NM_005465.7 (MANE Select); coding-DNA position 998, G replaced by A.
Protein change: p.Gly333Glu; replaces glycine 333 with glutamic acid.
Molecular consequence: missense variant.
Genome position (GRCh38, 1-based): chr1:243,552,894, C>T on the plus strand (G>A on the coding strand, the complement: AKT3 is on the minus strand). VCF-style: chr1-243552894-C-T. GRCh37 (hg19) VCF-style: chr1-243716196-C-T.
Other names: c.998G>A, p.Gly333Glu (NM_001206729.2, NM_001370074.1, NM_181690.2); short protein forms G333E.
Identifiers: ClinVar variation 3236240 (VCV003236240.1), dbSNP rs2529465552, ClinGen allele CA345670353.